The following is an entry in ClinVar:

NM_000051.4(ATM):c.3504del (p.Cys1168fs)

Gene: ATM (ATM serine/threonine kinase; plus strand). Cytogenetic location: 11q22.3.
Variant type: Deletion.
Coding change: c.3504del on transcript NM_000051.4 (MANE Select); coding-DNA position 3504, one base deleted (C; older notation c.3504delC).
Protein change: p.Cys1168fs; shifts the reading frame from cysteine 1168.
Molecular consequence: frameshift variant.
Genome position (GRCh38, 1-based): chr11:108,281,096, C deleted. VCF-style (leftmost placement, unchanged base first): chr11-108281095-GC-G. GRCh37 (hg19) VCF-style: chr11-108151822-GC-G.
Other names: c.3504del, p.Cys1168fs (NM_001351834.2); short protein forms C1168fs.
Identifiers: ClinVar variation 3802766 (VCV003802766.1).

ClinVar aggregate classification (germline): Pathogenic (1 of 4 stars; one submission).

Conditions:
Hereditary cancer-predisposing syndrome. Also called: Neoplastic Syndromes, Hereditary; Hereditary Cancer Syndrome; Tumor predisposition; Hereditary neoplastic syndrome. Identifiers: Orphanet 140162, MedGen C0027672, MeSH D009386, MONDO:0015356.

Submission:

Ambry Genetics
Classification: Pathogenic for Hereditary cancer-predisposing syndrome. Last evaluated: 2025-03-05. Review status: criteria provided, single submitter. Criteria: Ambry Variant Classification Scheme 2023. Collection method: clinical testing. Allele origin: germline.
Comment: The c.3504delC pathogenic mutation, located in coding exon 23 of the ATM gene, results from a deletion of one nucleotide at nucleotide position 3504, causing a translational frameshift with a predicted alternate stop codon (p.C1168Wfs*13). This variant is considered to be rare based on population cohorts in the Genome Aggregation Database (gnomAD). This alteration is expected to result in loss of function by premature protein truncation or nonsense-mediated mRNA decay. As such, this alteration is interpreted as a disease-causing mutation.